The following is an entry in ClinVar:

NM_001205293.3(CACNA1E):c.5753T>A (p.Leu1918Gln)

Gene: CACNA1E (calcium voltage-gated channel subunit alpha1 E; plus strand). Cytogenetic location: 1q25.3.
Variant type: single nucleotide variant.
Coding change: c.5753T>A on transcript NM_001205293.3 (MANE Select); coding-DNA position 5753, T replaced by A.
Protein change: p.Leu1918Gln; replaces leucine 1918 with glutamine.
Molecular consequence: missense variant.
Genome position (GRCh38, 1-based): chr1:181,785,786, T>A. VCF-style: chr1-181785786-T-A. GRCh37 (hg19) VCF-style: chr1-181754922-T-A.
Other names: c.5753T>A, p.Leu1918Gln (NM_000721.4); c.5696T>A, p.Leu1899Gln (NM_001205294.2); short protein forms L1899Q, L1918Q.
Identifiers: ClinVar variation 1304360 (VCV001304360.3), dbSNP rs2102847505, ClinGen allele CA343631789.

ClinVar aggregate classification (germline): Uncertain significance. Review status: criteria provided, multiple submitters, no conflicts (2 of 4 stars). 2 submissions from 2 submitters: Uncertain significance (2). Last evaluated 2025-03-23.

Submissions (2):

Labcorp Genetics (formerly Invitae), Labcorp
Classification: Uncertain significance. Last evaluated: 2025-03-23. Review status: criteria provided, single submitter. Criteria: Invitae Variant Classification Sherloc (09022015). Collection method: clinical testing. Allele origin: germline.
Comment: This sequence change replaces leucine, which is neutral and non-polar, with glutamine, which is neutral and polar, at codon 1918 of the CACNA1E protein (p.Leu1918Gln). This variant is not present in population databases (gnomAD no frequency). This variant has not been reported in the literature in individuals affected with CACNA1E-related conditions. ClinVar contains an entry for this variant (Variation ID: 1304360). Invitae Evidence Modeling of protein sequence and biophysical properties (such as structural, functional, and spatial information, amino acid conservation, physicochemical variation, residue mobility, and thermodynamic stability) indicates that this missense variant is not expected to disrupt CACNA1E protein function with a negative predictive value of 95%. In summary, the available evidence is currently insufficient to determine the role of this variant in disease. Therefore, it has been classified as a Variant of Uncertain Significance.

GeneDx
Classification: Uncertain significance. Last evaluated: 2018-12-10. Review status: criteria provided, single submitter. Criteria: GeneDx Variant Classification Process June 2021. Collection method: clinical testing. Allele origin: germline. Affected: yes.
Comment: Not observed in large population cohorts (Lek et al., 2016); In silico analysis, which includes protein predictors and evolutionary conservation, supports a deleterious effect; Has not been previously published as pathogenic or benign to our knowledge